The following is an entry in ClinVar:

NM_022475.3(HHIP):c.473-55G>A

Gene: HHIP (hedgehog interacting protein; plus strand). Cytogenetic location: 4q31.21.
Variant type: single nucleotide variant.
Coding change: c.473-55G>A on transcript NM_022475.3 (MANE Select); 55 bases into the intron before coding-DNA position 473, G replaced by A.
Molecular consequence: intron variant.
Genome position (GRCh38, 1-based): chr4:144,658,735, G>A. VCF-style: chr4-144658735-G-A. GRCh37 (hg19) VCF-style: chr4-145579887-G-A.
Identifiers: ClinVar variation 3350792 (VCV003350792.1).

ClinVar aggregate classification (germline): Likely benign (0 of 4 stars; one submission).

Conditions:
HHIP-related condition.

Submission:

PreventionGenetics, part of Exact Sciences
Classification: Likely benign for HHIP-related condition. Last evaluated: 2024-05-08. Review status: no assertion criteria provided. Collection method: clinical testing. Allele origin: germline.
Comment: This variant is classified as likely benign based on ACMG/AMP sequence variant interpretation guidelines (Richards et al. 2015 PMID: 25741868, with internal and published modifications).